The following is an entry in ClinVar:

ClinVar aggregate classification (germline): Uncertain significance. Review status: criteria provided, single submitter (1 of 4 stars). 2 submissions from 2 submitters: Uncertain significance (1). 1 of the submissions does not count toward it. Last evaluated 2021-08-31.

Conditions:
Glycogen storage disease type III (GSD3). Also called: Cori disease; FORBES DISEASE. Identifiers: Orphanet 366, MedGen C0017922, MONDO:0009291, OMIM 232400.

Allele frequency attached by ClinVar (database versions not stated): gnomAD exomes below 0.00001 and 0.00001; TOPMed 0.00001; gnomAD 0.00002.
gnomAD v4.1: 21 of 1,613,654 alleles (0.0013%); highest among the groups gnomAD compares: Non-Finnish European, 0.0017%; no homozygotes.

Submissions (2):

Labcorp Genetics (formerly Invitae), Labcorp
Classification: Uncertain significance for Glycogen storage disease type III. Last evaluated: 2021-08-31. Review status: criteria provided, single submitter. Criteria: Invitae Variant Classification Sherloc (09022015). Collection method: clinical testing. Allele origin: germline.
Comment: This sequence change replaces lysine with asparagine at codon 1176 of the AGL protein (p.Lys1176Asn). The lysine residue is weakly conserved and there is a moderate physicochemical difference between lysine and asparagine. This variant is not present in population databases (ExAC no frequency). This variant has not been reported in the literature in individuals affected with AGL-related conditions. Algorithms developed to predict the effect of missense changes on protein structure and function output the following: SIFT: "Deleterious"; PolyPhen-2: "Benign"; Align-GVGD: "Class C0". The asparagine amino acid residue is found in multiple mammalian species, which suggests that this missense change does not adversely affect protein function. In summary, the available evidence is currently insufficient to determine the role of this variant in disease. Therefore, it has been classified as a Variant of Uncertain Significance.

Natera, Inc.
Classification: Uncertain significance for Glycogen storage disease type III. Last evaluated: 2020-06-26. Review status: no assertion criteria provided. Collection method: clinical testing. Allele origin: germline. Not counted in ClinVar's aggregate classification.

NM_000642.3(AGL):c.3528G>T (p.Lys1176Asn)

Gene: AGL (amylo-alpha-1,6-glucosidase and 4-alpha-glucanotransferase; plus strand). Cytogenetic location: 1p21.2.
Variant type: single nucleotide variant.
Coding change: c.3528G>T on transcript NM_000642.3 (MANE Select); coding-DNA position 3528, G replaced by T.
Protein change: p.Lys1176Asn; replaces lysine 1176 with asparagine.
Molecular consequence: missense variant.
Genome position (GRCh38, 1-based): chr1:99,900,801, G>T. VCF-style: chr1-99900801-G-T. GRCh37 (hg19) VCF-style: chr1-100366357-G-T.
Other names: c.3528G>T, p.Lys1176Asn (NM_001425325.1, NM_000028.3, NM_000643.3 and 1 more transcripts); c.3507G>T, p.Lys1169Asn (NM_001425326.1); c.3327G>T, p.Lys1109Asn (NM_001425327.1); c.3324G>T, p.Lys1108Asn (NM_001425328.1); c.3189G>T, p.Lys1063Asn (NM_001425329.1); c.3150G>T, p.Lys1050Asn (NM_001425332.1); c.3480G>T, p.Lys1160Asn (NM_000646.3); short protein forms K1160N, K1176N, K1050N, K1063N, K1108N, K1109N, K1169N.
Identifiers: ClinVar variation 962808 (VCV000962808.11), dbSNP rs1171460627, ClinGen allele CA341332293.